The following is an entry in ClinVar:

NM_001378414.1(HDAC4):c.842A>G (p.Lys281Arg)

Gene: HDAC4 (histone deacetylase 4; minus strand). Cytogenetic location: 2q37.3.
Variant type: single nucleotide variant.
Coding change: c.842A>G on transcript NM_001378414.1 (MANE Select); coding-DNA position 842, A replaced by G.
Protein change: p.Lys281Arg; replaces lysine 281 with arginine.
Molecular consequence: missense variant.
Genome position (GRCh38, 1-based): chr2:239,144,606, T>C on the plus strand (A>G on the coding strand, the complement: HDAC4 is on the minus strand). VCF-style: chr2-239144606-T-C. GRCh37 (hg19) VCF-style: chr2-240066302-T-C.
Other names: c.842A>G, p.Lys281Arg (NM_001378415.1, NM_001378416.1, NM_001378417.1 and 1 more transcripts); c.761A>G, p.Lys254Arg (NM_001435991.1, NM_001435992.1, NM_001435994.1 and 1 more transcripts); c.698A>G, p.Lys233Arg (NM_001435993.1); c.827A>G, p.Lys276Arg (NM_001435996.1); short protein forms K233R, K254R, K276R, K281R.
Identifiers: ClinVar variation 4086173 (VCV004086173.1).
Genomic context (GRCh38, chr2:239,144,606, plus strand): 5'-GGGCAGCGGGGCGGGTGTACCTGCTCAGCCGACATACCTGTGACATCCAACGGACGCTTT[T>C]TTAGAGCAGTGACCACTGGCCCGTCTTTCCTGCGTAACAGGGGGCTGCTCCGTCTTTCGG-3'
Protein context (NP_001365343.1, residues 271-291): RKDGPVVTAL[Lys281Arg]KRPLDVTDSA

ClinVar aggregate classification (germline): Uncertain significance (1 of 4 stars; one submission).

Conditions:
Neurodevelopmental disorder with central hypotonia and dysmorphic facies (NEDCHF). Identifiers: MedGen C5676944, MONDO:0859232, OMIM 619797.

Submission:

Neuberg Centre For Genomic Medicine, NCGM
Classification: Uncertain significance for Neurodevelopmental disorder with central hypotonia and dysmorphic facies. Review status: criteria provided, single submitter. Criteria: ACMG Guidelines, 2015. Collection method: clinical testing. Allele origin: germline. Inheritance: Autosomal dominant inheritance. Affected: yes.
Comment: This variant has not been reported previously in literature. For these reasons, this variant has been classified as Uncertain Significance.